The following is an entry in ClinVar:

NM_024408.4(NOTCH2):c.6585_6587inv (p.Gln2196Gly)

Gene: NOTCH2 (notch receptor 2; minus strand). Cytogenetic location: 1p12.
Variant type: Inversion.
Coding change: c.6585_6587inv on transcript NM_024408.4 (MANE Select).
Protein change: p.Gln2196Gly; replaces glutamine 2196 with glycine.
Molecular consequence: missense variant.
Genome position: GRCh38 VCF-style: chr1-119916135-TGG-CCA. GRCh37 (hg19) VCF-style: chr1-120458758-TGG-CCA.
Other names: short protein forms Q2196G.
Identifiers: ClinVar variation 4759863 (VCV004759863.1).

ClinVar aggregate classification (germline): Uncertain significance (1 of 4 stars; one submission).

Conditions:
Hajdu-Cheney syndrome (HJCYS). Also called: SERPENTINE FIBULA-POLYCYSTIC KIDNEY SYNDROME; Acroosteolysis dominant type; ACROOSTEOLYSIS WITH OSTEOPOROSIS AND CHANGES IN SKULL AND MANDIBLE. Identifiers: Orphanet 955, MedGen C0917715, MONDO:0007057, OMIM 102500.

Submission:

Labcorp Genetics (formerly Invitae), Labcorp
Classification: Uncertain significance for Hajdu-Cheney syndrome. Last evaluated: 2025-06-20. Review status: criteria provided, single submitter. Criteria: Invitae Variant Classification Sherloc (09022015). Collection method: clinical testing. Allele origin: germline.
Comment: This sequence change replaces glutamine, which is neutral and polar, with glycine, which is neutral and non-polar, at codon 2196 of the NOTCH2 protein (p.Gln2196Gly). Information on the frequency of this variant in the gnomAD database is not available, as this variant may be reported differently in the database. This variant has not been reported in the literature in individuals affected with NOTCH2-related conditions. Experimental studies and prediction algorithms are not available or were not evaluated, and the functional significance of this variant is currently unknown. In summary, the available evidence is currently insufficient to determine the role of this variant in disease. Therefore, it has been classified as a Variant of Uncertain Significance.